The following is an entry in ClinVar:

ClinVar aggregate classification (germline): Uncertain significance (1 of 4 stars; one submission).

Conditions:
Early-infantile DEE. Also called: Ohtahara syndrome; Early infantile epileptic encephalopathy with suppression bursts; Early infantile epileptic encephalopathy. Identifiers: Orphanet 1934, MedGen C0393706, MONDO:0800491.

Submission:

Labcorp Genetics (formerly Invitae), Labcorp
Classification: Uncertain significance for Early-infantile DEE. Last evaluated: 2022-01-11. Review status: criteria provided, single submitter. Criteria: Invitae Variant Classification Sherloc (09022015). Collection method: clinical testing. Allele origin: germline.
Comment: This sequence change replaces proline, which is neutral and non-polar, with serine, which is neutral and polar, at codon 39 of the KCNH5 protein (p.Pro39Ser). This variant is not present in population databases (gnomAD no frequency). This variant has not been reported in the literature in individuals affected with KCNH5-related conditions. Advanced modeling of protein sequence and biophysical properties (such as structural, functional, and spatial information, amino acid conservation, physicochemical variation, residue mobility, and thermodynamic stability) performed at Invitae indicates that this missense variant is expected to disrupt KCNH5 protein function. Algorithms developed to predict the effect of sequence changes on RNA splicing suggest that this variant may create or strengthen a splice site. In summary, the available evidence is currently insufficient to determine the role of this variant in disease. Therefore, it has been classified as a Variant of Uncertain Significance.

NM_139318.5(KCNH5):c.115C>T (p.Pro39Ser)

Gene: KCNH5 (potassium voltage-gated channel subfamily H member 5; minus strand). Cytogenetic location: 14q23.2.
Variant type: single nucleotide variant.
Coding change: c.115C>T on transcript NM_139318.5 (MANE Select); coding-DNA position 115, C replaced by T.
Protein change: p.Pro39Ser; replaces proline 39 with serine.
Molecular consequence: missense variant.
Genome position (GRCh38, 1-based): chr14:63,016,913, G>A on the plus strand (C>T on the coding strand, the complement: KCNH5 is on the minus strand). VCF-style: chr14-63016913-G-A. GRCh37 (hg19) VCF-style: chr14-63483631-G-A.
Other names: c.115C>T, p.Pro39Ser (NM_172375.3); short protein forms P39S.
Identifiers: ClinVar variation 2079732 (VCV002079732.4), dbSNP rs2503090780, ClinGen allele CA390106442.